The following is an entry in ClinVar:

ClinVar aggregate classification (germline): Uncertain significance (1 of 4 stars; one submission).

Conditions:
Evans syndrome, immunodeficiency, and premature immunosenescence associated with tripeptidyl-peptidase II deficiency. Identifiers: MedGen CN231723. Disease mechanism: loss of function.

gnomAD v4.1: 1 of 1,614,084 alleles (0.000062%); no homozygotes.

Submission:

Labcorp Genetics (formerly Invitae), Labcorp
Classification: Uncertain significance for Evans syndrome, immunodeficiency, and premature immunosenescence associated with tripeptidyl-peptidase II deficiency. Last evaluated: 2022-12-04. Review status: criteria provided, single submitter. Criteria: Invitae Variant Classification Sherloc (09022015). Collection method: clinical testing. Allele origin: germline.
Comment: This sequence change replaces serine, which is neutral and polar, with asparagine, which is neutral and polar, at codon 423 of the TPP2 protein (p.Ser423Asn). This variant is not present in population databases (gnomAD no frequency). This variant has not been reported in the literature in individuals affected with TPP2-related conditions. Algorithms developed to predict the effect of missense changes on protein structure and function are either unavailable or do not agree on the potential impact of this missense change (SIFT: "Deleterious"; PolyPhen-2: "Possibly Damaging"; Align-GVGD: "Class C0"). In summary, the available evidence is currently insufficient to determine the role of this variant in disease. Therefore, it has been classified as a Variant of Uncertain Significance.

NM_001330588.2(TPP2):c.1268G>A (p.Ser423Asn)

Gene: TPP2 (tripeptidyl peptidase 2; plus strand). Cytogenetic location: 13q33.1.
Variant type: single nucleotide variant.
Coding change: c.1268G>A on transcript NM_001330588.2 (MANE Select); coding-DNA position 1268, G replaced by A.
Protein change: p.Ser423Asn; replaces serine 423 with asparagine.
Molecular consequence: missense variant. On other transcripts: non-coding transcript variant (1).
Genome position (GRCh38, 1-based): chr13:102,633,973, G>A. VCF-style: chr13-102633973-G-A. GRCh37 (hg19) VCF-style: chr13-103286323-G-A.
Other names: c.1268G>A, p.Ser423Asn (NM_001367947.1, NM_003291.4); short protein forms S423N.
Identifiers: ClinVar variation 2818537 (VCV002818537.3), dbSNP rs2503974092, ClinGen allele CA388485107.